The following is an entry in ClinVar:

ClinVar aggregate classification (germline): Likely pathogenic (1 of 4 stars; one submission).

Conditions:
Hereditary factor VIII deficiency disease (HEMA). Also called: HEMOPHILIA, CLASSIC; AUTOSOMAL HEMOPHILIA A; Hemophilia A; Hemophilia A, congenital; HEM A; Factor 8 deficiency, congenital. Identifiers: Orphanet 98878, MedGen C0019069, MONDO:0010602, OMIM 306700.

Submission:

Women's Health and Genetics/Laboratory Corporation of America, LabCorp
Classification: Likely pathogenic for Hereditary factor VIII deficiency disease. Last evaluated: 2025-11-06. Review status: criteria provided, single submitter. Criteria: LabCorp Variant Classification Summary - May 2015. Collection method: clinical testing. Allele origin: germline.
Comment: Variant summary: F8 c.1423G>A (p.Glu475Lys), also reported as c.1423G>A p.Gly456Lys, results in a conservative amino acid change in the encoded protein sequence. Algorithms developed to predict the effect of missense changes on protein structure and function are either unavailable or do not agree on the potential impact of this missense change. The variant was absent in 183119 control chromosomes. c.1423G>A has been observed in at least 3 individual(s) affected with Factor VIII Deficiency (Hemophilia A) (example, Timur_2001, Bogdanova_2007, Markoff_2009, Johnsen_2017). These data indicate that the variant may be associated with disease. At least one publication reports experimental evidence evaluating an impact on protein function in patient sample(s). The most pronounced variant effect results in <10% of normal FVIII:C coagulation activity (example, Johnsen_2017, EAHAD Database). The following publications have been ascertained in the context of this evaluation (PMID: 16972227, 11554935, 19473423, 29296726). ClinVar contains an entry for this variant (Variation ID: 3768613). Based on the evidence outlined above, the variant was classified as likely pathogenic.

Literature cited by the submitters: PubMed 19473423; PubMed 29296726; PubMed 11554935; PubMed 16972227.

NM_000132.4(F8):c.1423G>A (p.Glu475Lys)

Gene: F8 (coagulation factor VIII; minus strand). Cytogenetic location: Xq28.
Variant type: single nucleotide variant.
Coding change: c.1423G>A on transcript NM_000132.4 (MANE Select); coding-DNA position 1423, G replaced by A.
Protein change: p.Glu475Lys; replaces glutamic acid 475 with lysine.
Molecular consequence: missense variant.
Genome position (GRCh38, 1-based): chrX:154,965,990, C>T on the plus strand (G>A on the coding strand, the complement: F8 is on the minus strand). VCF-style: chrX-154965990-C-T. GRCh37 (hg19) VCF-style: chrX-154194265-C-T.
Other names: short protein forms E475K.
Identifiers: ClinVar variation 3768613 (VCV003768613.2).